The following is an entry in ClinVar:

NM_001243279.3(ACSF3):c.327C>T (p.Val109=)

Gene: ACSF3 (acyl-CoA synthetase family member 3; plus strand). Cytogenetic location: 16q24.3.
Variant type: single nucleotide variant.
Coding change: c.327C>T on transcript NM_001243279.3 (MANE Select); coding-DNA position 327, C replaced by T.
Protein change: p.Val109=; no amino-acid change (valine 109 retained).
Molecular consequence: synonymous variant. On other transcripts: non-coding transcript variant (3), intron variant (1).
Genome position (GRCh38, 1-based): chr16:89,101,008, C>T. VCF-style: chr16-89101008-C-T. GRCh37 (hg19) VCF-style: chr16-89167416-C-T.
Other names: c.327C>T, p.Val109= (NM_001127214.4, NM_174917.5); c.-129-1596C>T (NM_001284316.2).
Identifiers: ClinVar variation 512106 (VCV000512106.10), dbSNP rs141517318, ClinGen allele CA8237619.
Genomic context (GRCh38, chr16:89,101,008, plus strand): 5'-CGGCGGGGACCTCCGGGAGGAGAGGGTCTCCTTCCTATGCGCTAACGATGCCTCCTACGT[C>T]GTGGCCCAGTGGGCGTCATGGATGAGTGGCGGTGTGGCAGTCCCCCTCTACAGGAAGCAT-3'
Protein context (NP_001230208.1, residues 99-119): SFLCANDASY[Val109=]VAQWASWMSG

ClinVar aggregate classification (germline): Likely benign. Review status: criteria provided, multiple submitters, no conflicts (2 of 4 stars). 2 submissions from 2 submitters: Likely benign (2). Last evaluated 2026-01-25.

Conditions:
Combined malonic and methylmalonic acidemia. Identifiers: Orphanet 289504, MedGen C3280314, MONDO:0013661, OMIM 614265.

Allele frequency attached by ClinVar (database versions not stated): ExAC 0.00010; gnomAD exomes 0.00014; ESP Exome Variant Server 0.00046; gnomAD 0.00027 and 0.00031; TOPMed 0.00037.
gnomAD v4.1: 136 of 1,613,628 alleles (0.0084%); highest among the groups gnomAD compares: African/African-American, 0.096%; no homozygotes.

Submissions (2):

Labcorp Genetics (formerly Invitae), Labcorp
Classification: Likely benign for Combined malonic and methylmalonic acidemia. Last evaluated: 2026-01-25. Review status: criteria provided, single submitter. Criteria: Invitae Variant Classification Sherloc (09022015). Collection method: clinical testing. Allele origin: germline.

GeneDx
Classification: Likely benign. Last evaluated: 2017-10-02. Review status: criteria provided, single submitter. Criteria: GeneDx Variant Classification (06012015). Collection method: clinical testing. Allele origin: germline. Affected: yes.
Comment: This variant is considered likely benign or benign based on one or more of the following criteria: it is a conservative change, it occurs at a poorly conserved position in the protein, it is predicted to be benign by multiple in silico algorithms, and/or has population frequency not consistent with disease.